The following is an entry in ClinVar:

NM_006244.4(PPP2R5B):c.1463C>G (p.Pro488Arg)

Gene: PPP2R5B (protein phosphatase 2 regulatory subunit B'beta; plus strand). Cytogenetic location: 11q13.1.
Variant type: single nucleotide variant.
Coding change: c.1463C>G on transcript NM_006244.4 (MANE Select); coding-DNA position 1463, C replaced by G.
Protein change: p.Pro488Arg; replaces proline 488 with arginine.
Molecular consequence: missense variant.
Genome position (GRCh38, 1-based): chr11:64,933,813, C>G. VCF-style: chr11-64933813-C-G. GRCh37 (hg19) VCF-style: chr11-64701285-C-G.
Other names: short protein forms P488R.
Identifiers: ClinVar variation 1370992 (VCV001370992.6), dbSNP rs755525873, ClinGen allele CA381205277.

ClinVar aggregate classification (germline): Uncertain significance (1 of 4 stars; one submission).

gnomAD v4.1: 1 of 1,549,642 alleles (0.000065%); highest among the groups gnomAD compares: Non-Finnish European, 0.000087%; no homozygotes.

Submission:

Labcorp Genetics (formerly Invitae), Labcorp
Classification: Uncertain significance. Last evaluated: 2024-11-20. Review status: criteria provided, single submitter. Criteria: Invitae Variant Classification Sherloc (09022015). Collection method: clinical testing. Allele origin: germline.
Comment: This sequence change replaces proline, which is neutral and non-polar, with arginine, which is basic and polar, at codon 488 of the PPP2R5B protein (p.Pro488Arg). This variant is not present in population databases (gnomAD no frequency). This variant has not been reported in the literature in individuals affected with PPP2R5B-related conditions. ClinVar contains an entry for this variant (Variation ID: 1370992). An algorithm developed to predict the effect of missense changes on protein structure and function (PolyPhen-2) suggests that this variant is likely to be disruptive. In summary, the available evidence is currently insufficient to determine the role of this variant in disease. Therefore, it has been classified as a Variant of Uncertain Significance.